The following is an entry in ClinVar:

NM_015981.4(CAMK2A):c.157+5G>T

Gene: CAMK2A (calcium/calmodulin dependent protein kinase II alpha; minus strand). Cytogenetic location: 5q32.
Variant type: single nucleotide variant.
Coding change: c.157+5G>T on transcript NM_015981.4 (MANE Select); 5 bases into the intron after coding-DNA position 157, G replaced by T.
Molecular consequence: intron variant.
Genome position (GRCh38, 1-based): chr5:150,273,060, C>A on the plus strand (G>T on the coding strand, the complement: CAMK2A is on the minus strand). VCF-style: chr5-150273060-C-A. GRCh37 (hg19) VCF-style: chr5-149652623-C-A.
Other names: c.157+5G>T (NM_001363990.1, NM_001363989.1, NM_171825.3 and 1 more transcripts).
Identifiers: ClinVar variation 1320954 (VCV001320954.2), dbSNP rs1167743096, ClinGen allele CA2573052461.

ClinVar aggregate classification (germline): Uncertain significance (1 of 4 stars; one submission).

gnomAD v4.1: 1 of 1,611,772 alleles (0.000062%); highest among the groups gnomAD compares: Non-Finnish European, 0.000085%; no homozygotes.

Submission:

GeneDx
Classification: Uncertain significance. Last evaluated: 2021-05-21. Review status: criteria provided, single submitter. Criteria: GeneDx Variant Classification Process June 2021. Collection method: clinical testing. Allele origin: germline. Affected: yes.
Comment: Not observed in large population cohorts (Lek et al., 2016); In silico analysis supports that this variant does not alter splicing; Has not been previously published as pathogenic or benign to our knowledge